The following is an entry in ClinVar:

NM_130839.5(UBE3A):c.1972_1973del (p.Ser658fs)

Genes: SNHG14 (small nucleolar RNA host gene 14; plus strand), UBE3A (ubiquitin protein ligase E3A; minus strand). Cytogenetic location: 15q11.2.
Variant type: Microsatellite.
Coding change: c.1972_1973del on transcript NM_130839.5 (MANE Select); coding-DNA positions 1972 to 1973, 2 bases deleted (AG; older notation c.1972_1973delAG).
Protein change: p.Ser658fs; shifts the reading frame from serine 658.
Molecular consequence: frameshift variant. On other transcripts: non-coding transcript variant (1), intron variant (1).
Genome position (GRCh38, 1-based): chr15:25,356,043-25,356,044, CT deleted on the plus strand (AG on the coding strand, the reverse complement: UBE3A is on the minus strand); deleting any 2 consecutive bases within chr15:25,356,043-25,356,046 gives the same sequence; the c. name uses the placement nearest the transcript's 3' end. VCF-style (leftmost placement, unchanged base first): chr15-25356042-ACT-A. GRCh37 (hg19) VCF-style: chr15-25601189-ACT-A.
Other names: c.1981_1982del, p.Ser661fs (NM_000462.5); c.1972_1973del, p.Ser658fs (NM_001354505.1, NM_001354538.2, NM_001354545.2); c.1912_1913del, p.Ser638fs (NM_001354506.2, NM_001354507.2, NM_001354508.2 and 16 more transcripts); c.1899+647_1899+648del (NM_001354549.2); c.1795_1796del, p.Ser599fs (NM_001354546.2); c.721_722del, p.Ser241fs (NM_001354550.2); c.661_662del, p.Ser221fs (NM_001354551.2); short protein forms S221fs, S599fs, S661fs, S638fs, S658fs, S241fs.
Identifiers: ClinVar variation 155961 (VCV000155961.2), dbSNP rs587781210, ClinGen allele CA333330.
Genomic context (GRCh38, chr15:25,356,042, plus strand): 5'-CTGGAAAGTGATCATCATGTCATCTTCCACATTCCCTTCATACTCCAATAAATCTTTTAA[ACT>A]CTGATATAGAACCTAGCAACCAGAAATGGTAAATTGAGGCCACCATAGAACTACAAAATA-3'

ClinVar aggregate classification (germline): Pathogenic. Review status: criteria provided, single submitter (1 of 4 stars). 2 submissions from 2 submitters: Pathogenic (1). 1 of the submissions does not count toward it.

Conditions:
Angelman syndrome (AS). Also called: HAPPY PUPPET SYNDROME. Identifiers: Orphanet 72, MedGen C0162635, MONDO:0007113, OMIM 105830. Disease mechanism: loss of function. Inheritance: AS is caused by disruption of maternally imprinted UBE3A located within the 15q11.2-q13 Angelman syndrome/Prader-Willi syndrome (AS/PWS) region., imprinting disorder.

Submissions (2):

Pediatric Department, Peking University First Hospital
Classification: Pathogenic for Angelman syndrome. Review status: criteria provided, single submitter. Criteria: ACMG Guidelines, 2015. Collection method: research. Allele origin: de novo. Affected: yes.

Baylor Genetics
Classification: Pathogenic for Angelman Syndrome. Last evaluated: 2014-02-14. Review status: no assertion criteria provided. Collection method: clinical testing. Allele origin: germline. Affected: yes. Observed: 1 variant allele. Study: UBE3A Mutation Study. Not counted in ClinVar's aggregate classification.
Comment: Data collected from clinical UBE3A sequence analysis results

Literature cited by the submitters: PubMed 25212744 (cited by Baylor Genetics).